The following is an entry in ClinVar:

ClinVar aggregate classification (germline): Uncertain significance (1 of 4 stars; one submission).

Conditions:
Hereditary breast ovarian cancer syndrome. Also called: Hereditary breast and ovarian cancer syndrome (HBOC); BRCA1- and BRCA2-Associated Hereditary Breast and Ovarian Cancer; Hereditary breast and ovarian cancer syndrome; Breast and ovarian cancer; Hereditary breast and ovarian cancer; Hereditary breast and/or ovarian cancer syndrome. Identifiers: Orphanet 145, MedGen C0677776, MeSH D061325, MONDO:0003582. Disease mechanism: loss of function.

Submission:

Labcorp Genetics (formerly Invitae), Labcorp
Classification: Uncertain significance for Hereditary breast ovarian cancer syndrome. Last evaluated: 2017-10-23. Review status: criteria provided, single submitter. Criteria: Invitae Variant Classification Sherloc (09022015). Collection method: clinical testing. Allele origin: germline.
Comment: In summary, the available evidence is currently insufficient to determine the role of this variant in disease. Therefore, it has been classified as a Variant of Uncertain Significance. Algorithms developed to predict the effect of missense changes on protein structure and function (SIFT, PolyPhen-2, Align-GVGD) all suggest that this variant is likely to be tolerated, but these predictions have not been confirmed by published functional studies and their clinical significance is uncertain. This variant has not been reported in the literature in individuals with BRCA1-related disease. This variant is not present in population databases (ExAC no frequency). This sequence change replaces serine with threonine at codon 1461 of the BRCA1 protein (p.Ser1461Thr). The serine residue is weakly conserved and there is a small physicochemical difference between serine and threonine.

NM_007294.4(BRCA1):c.4382G>C (p.Ser1461Thr)

Gene: BRCA1 (BRCA1 DNA repair associated; minus strand). Cytogenetic location: 17q21.31.
Variant type: single nucleotide variant.
Coding change: c.4382G>C on transcript NM_007294.4 (MANE Select); coding-DNA position 4382, G replaced by C.
Protein change: p.Ser1461Thr; replaces serine 1461 with threonine.
Molecular consequence: missense variant. On other transcripts: non-coding transcript variant (1).
Genome position (GRCh38, 1-based): chr17:43,076,590, C>G on the plus strand (G>C on the coding strand, the complement: BRCA1 is on the minus strand). VCF-style: chr17-43076590-C-G. GRCh37 (hg19) VCF-style: chr17-41228607-C-G.
Other names: c.4376G>C, p.Ser1459Thr (NM_001407641.1, NM_001407642.1, NM_001407627.1 and 14 more transcripts); c.4256G>C, p.Ser1419Thr (NM_001407940.1, NM_001407670.1, NM_001407671.1 and 11 more transcripts); c.947G>C, p.Ser316Thr (NM_001408434.1, NM_001408435.1, NM_001408441.1 and 10 more transcripts); c.4241G>C, p.Ser1414Thr (NM_001407942.1, NM_001407692.1, NM_001407694.1 and 13 more transcripts); c.4238G>C, p.Ser1413Thr (NM_001407943.1, NM_001407944.1, NM_001407945.1 and 21 more transcripts); c.4049G>C, p.Ser1350Thr (NM_001407946.1, NM_001407947.1, NM_001407948.1 and 1 more transcripts); c.4373G>C, p.Ser1458Thr (NM_001407644.1, NM_001407645.1); c.4370G>C, p.Ser1457Thr (NM_001407646.1); and 68 more; short protein forms S1461T, S357T, S1482T, S1414T, S1333T, S1334T, S1349T, S1373T.
Identifiers: ClinVar variation 531434 (VCV000531434.10), dbSNP rs1555582692, ClinGen allele CA10592774.